The following is an entry in ClinVar:

NM_005896.4(IDH1):c.1121A>G (p.Lys374Arg)

Gene: IDH1 (isocitrate dehydrogenase (NADP(+)) 1; minus strand). Cytogenetic location: 2q34.
Variant type: single nucleotide variant.
Coding change: c.1121A>G on transcript NM_005896.4 (MANE Select); coding-DNA position 1121, A replaced by G.
Protein change: p.Lys374Arg; replaces lysine 374 with arginine.
Molecular consequence: missense variant.
Genome position (GRCh38, 1-based): chr2:208,239,104, T>C on the plus strand (A>G on the coding strand, the complement: IDH1 is on the minus strand). VCF-style: chr2-208239104-T-C. GRCh37 (hg19) VCF-style: chr2-209103828-T-C.
Other names: c.1121A>G, p.Lys374Arg (NM_001282386.1, NM_001282387.1); short protein forms K374R.
Identifiers: ClinVar variation 3225121 (VCV003225121.1), dbSNP rs2469014070, ClinGen allele CA350094136.

ClinVar aggregate classification (germline): Uncertain significance (1 of 4 stars; one submission).

Submission:

Ambry Genetics
Classification: Uncertain significance. Last evaluated: 2023-09-23. Review status: criteria provided, single submitter. Criteria: Ambry Variant Classification Scheme 2023. Collection method: clinical testing. Allele origin: germline.
Comment: The p.K374R variant (also known as c.1121A>G), located in coding exon 7 of the IDH1 gene, results from an A to G substitution at nucleotide position 1121. The lysine at codon 374 is replaced by arginine, an amino acid with highly similar properties. This amino acid position is conserved. In addition, the in silico prediction for this alteration is inconclusive. Since supporting evidence is limited at this time, the clinical significance of this alteration remains unclear.